The following is an entry in ClinVar:

NM_001384140.1(PCDH15):c.1789T>C (p.Ser597Pro)

Gene: PCDH15 (protocadherin related 15; minus strand). Cytogenetic location: 10q21.1.
Variant type: single nucleotide variant.
Coding change: c.1789T>C on transcript NM_001384140.1 (MANE Select); coding-DNA position 1789, T replaced by C.
Protein change: p.Ser597Pro; replaces serine 597 with proline.
Molecular consequence: missense variant. On other transcripts: intron variant (1).
Genome position (GRCh38, 1-based): chr10:54,133,003, A>G on the plus strand (T>C on the coding strand, the complement: PCDH15 is on the minus strand). VCF-style: chr10-54133003-A-G. GRCh37 (hg19) VCF-style: chr10-55892763-A-G.
Other names: c.1804T>C, p.Ser602Pro (NM_001142763.2, NM_001142771.2); c.1789T>C, p.Ser597Pro (NM_001142764.2, NM_001142766.2, NM_001142770.3 and 5 more transcripts); c.1678T>C, p.Ser560Pro (NM_001142767.2); c.1723T>C, p.Ser575Pro (NM_001142768.2, NM_001142773.2, NM_001354404.2); c.1825T>C, p.Ser609Pro (NM_001142769.4); c.1810T>C, p.Ser604Pro (NM_001354411.2); c.1784+20097T>C (NM_001142765.2); short protein forms S560P, S575P, S597P, S602P, S604P, S609P.
Identifiers: ClinVar variation 1058912 (VCV001058912.7), dbSNP rs2133062157, ClinGen allele CA376515356.

ClinVar aggregate classification (germline): Uncertain significance. Review status: criteria provided, multiple submitters, no conflicts (2 of 4 stars). 2 submissions from 2 submitters: Uncertain significance (2). Last evaluated 2022-03-19.

Submissions (2):

Labcorp Genetics (formerly Invitae), Labcorp
Classification: Uncertain significance. Last evaluated: 2022-03-19. Review status: criteria provided, single submitter. Criteria: Invitae Variant Classification Sherloc (09022015). Collection method: clinical testing. Allele origin: germline.
Comment: This sequence change replaces serine, which is neutral and polar, with proline, which is neutral and non-polar, at codon 597 of the PCDH15 protein (p.Ser597Pro). This variant is not present in population databases (gnomAD no frequency). This variant has not been reported in the literature in individuals affected with PCDH15-related conditions. ClinVar contains an entry for this variant (Variation ID: 1058912). Algorithms developed to predict the effect of missense changes on protein structure and function are either unavailable or do not agree on the potential impact of this missense change (SIFT: "Deleterious"; PolyPhen-2: "Probably Damaging"; Align-GVGD: "Class C0"). In summary, the available evidence is currently insufficient to determine the role of this variant in disease. Therefore, it has been classified as a Variant of Uncertain Significance.

Blueprint Genetics
Classification: Uncertain significance. Last evaluated: 2021-12-27. Review status: criteria provided, single submitter. Criteria: ACMG Guidelines, 2015. Collection method: clinical testing. Allele origin: germline.